The following is an entry in ClinVar:

ClinVar aggregate classification (germline): Uncertain significance. Review status: criteria provided, multiple submitters, no conflicts (2 of 4 stars). 2 submissions from 2 submitters: Uncertain significance (2). Last evaluated 2025-01-03.

Conditions:
Pyle metaphyseal dysplasia (PYL). Also called: Pyle disease; Metaphyseal dysostosis. Identifiers: Orphanet 3005, MedGen C0265294, MONDO:0009943, OMIM 265900.

Allele frequency attached by ClinVar (database versions not stated): ExAC 0.00013; TOPMed 0.00032; ESP Exome Variant Server 0.00031.
gnomAD v4.1: 169 of 1,613,324 alleles (0.01%); highest among the groups gnomAD compares: African/African-American, 0.053%; no homozygotes.

Submissions (2):

Revvity Omics, Revvity
Classification: Uncertain significance for Pyle metaphyseal dysplasia. Last evaluated: 2025-01-03. Review status: criteria provided, single submitter. Criteria: ACMG Guidelines, 2015. Collection method: clinical testing. Allele origin: germline.

Labcorp Genetics (formerly Invitae), Labcorp
Classification: Uncertain significance. Last evaluated: 2024-01-19. Review status: criteria provided, single submitter. Criteria: Invitae Variant Classification Sherloc (09022015). Collection method: clinical testing. Allele origin: germline.
Comment: This sequence change replaces arginine, which is basic and polar, with cysteine, which is neutral and slightly polar, at codon 172 of the SFRP4 protein (p.Arg172Cys). This variant is present in population databases (rs140561432, gnomAD 0.06%). This variant has not been reported in the literature in individuals affected with SFRP4-related conditions. ClinVar contains an entry for this variant (Variation ID: 2052702). An algorithm developed to predict the effect of missense changes on protein structure and function (PolyPhen-2) suggests that this variant¬†is likely to be tolerated. In summary, the available evidence is currently insufficient to determine the role of this variant in disease. Therefore, it has been classified as a Variant of Uncertain Significance.

NM_003014.4(SFRP4):c.514C>T (p.Arg172Cys)

Gene: SFRP4 (secreted frizzled related protein 4; minus strand). Cytogenetic location: 7p14.1.
Variant type: single nucleotide variant.
Coding change: c.514C>T on transcript NM_003014.4 (MANE Select); coding-DNA position 514, C replaced by T.
Protein change: p.Arg172Cys; replaces arginine 172 with cysteine.
Molecular consequence: missense variant.
Genome position (GRCh38, 1-based): chr7:37,914,385, G>A on the plus strand (C>T on the coding strand, the complement: SFRP4 is on the minus strand). VCF-style: chr7-37914385-G-A. GRCh37 (hg19) VCF-style: chr7-37953987-G-A.
Other names: short protein forms R172C.
Identifiers: ClinVar variation 2052702 (VCV002052702.3), dbSNP rs140561432, ClinGen allele CA4222844.
Genomic context (GRCh38, chr7:37,914,385, plus strand): 5'-ACTCTGGAGAGGAGAAGTAGAGGGAACGTCCATGAAGAAAGAACTCACCGGGGCTTAGGC[G>A]TTTACAGTCAACATCAAGAGGCCTTTCCTGTACCATCATGTCTGGTGTGATGTCTATCCA-3'
Protein context (NP_003005.2, residues 162-182): QERPLDVDCK[Arg172Cys]LSPDRCKCKK